The following is an entry in ClinVar:

NM_004104.5(FASN):c.3526C>G (p.Gln1176Glu)

Gene: FASN (fatty acid synthase; minus strand). Cytogenetic location: 17q25.3.
Variant type: single nucleotide variant.
Coding change: c.3526C>G on transcript NM_004104.5 (MANE Select); coding-DNA position 3526, C replaced by G.
Protein change: p.Gln1176Glu; replaces glutamine 1176 with glutamic acid.
Molecular consequence: missense variant.
Genome position (GRCh38, 1-based): chr17:82,086,460, G>C on the plus strand (C>G on the coding strand, the complement: FASN is on the minus strand). VCF-style: chr17-82086460-G-C. GRCh37 (hg19) VCF-style: chr17-80044336-G-C.
Other names: short protein forms Q1176E.
Identifiers: ClinVar variation 1508849 (VCV001508849.6), dbSNP rs2144792359, ClinGen allele CA401552230.
Genomic context (GRCh38, chr17:82,086,460, plus strand): 5'-GCTGCAGGTTCCCGTTGAGCTGAAGCCTGCAGGCAGCCGACAACAGCCGGGGCAGTTCCT[G>C]CTGTGAGGGGTCCCGGGGGATCTGGGCCCCATCCAGTCCGGGCACCACCATCTTCAGCCC-3'
Protein context (NP_004095.4, residues 1166-1186): GAQIPRDPSQ[Gln1176Glu]ELPRLLSAAC

ClinVar aggregate classification (germline): Uncertain significance (1 of 4 stars; one submission).

Conditions:
Epileptic encephalopathy. Identifiers: MedGen C0543888, HP:0200134.

Submission:

Labcorp Genetics (formerly Invitae), Labcorp
Classification: Uncertain significance for Epileptic encephalopathy. Last evaluated: 2022-07-05. Review status: criteria provided, single submitter. Criteria: Invitae Variant Classification Sherloc (09022015). Collection method: clinical testing. Allele origin: germline.
Comment: In summary, the available evidence is currently insufficient to determine the role of this variant in disease. Therefore, it has been classified as a Variant of Uncertain Significance. Algorithms developed to predict the effect of missense changes on protein structure and function (SIFT, PolyPhen-2, Align-GVGD) all suggest that this variant is likely to be tolerated. ClinVar contains an entry for this variant (Variation ID: 1508849). This variant has not been reported in the literature in individuals affected with FASN-related conditions. This variant is not present in population databases (gnomAD no frequency). This sequence change replaces glutamine, which is neutral and polar, with glutamic acid, which is acidic and polar, at codon 1176 of the FASN protein (p.Gln1176Glu).